The following is an entry in ClinVar:

NM_000264.5(PTCH1):c.920C>T (p.Thr307Ile)

Gene: PTCH1 (patched 1; minus strand). Cytogenetic location: 9q22.32.
Variant type: single nucleotide variant.
Coding change: c.920C>T on transcript NM_000264.5 (MANE Select); coding-DNA position 920, C replaced by T.
Protein change: p.Thr307Ile; replaces threonine 307 with isoleucine.
Molecular consequence: missense variant. On other transcripts: non-coding transcript variant (1).
Genome position (GRCh38, 1-based): chr9:95,480,415, G>A on the plus strand (C>T on the coding strand, the complement: PTCH1 is on the minus strand). VCF-style: chr9-95480415-G-A. GRCh37 (hg19) VCF-style: chr9-98242697-G-A.
Other names: c.722C>T, p.Thr241Ile (NM_001083602.3); c.917C>T, p.Thr306Ile (NM_001083603.3); c.467C>T, p.Thr156Ile (NM_001083604.3, NM_001083605.3, NM_001083606.3 and 1 more transcripts); c.920C>T, p.Thr307Ile (NM_001354918.2); c.920C>T (NM_000264.3); short protein forms T156I, T306I, T307I, T241I.
Identifiers: ClinVar variation 1036359 (VCV001036359.12), dbSNP rs1255733467, ClinGen allele CA374113682.

ClinVar aggregate classification (germline): Conflicting classifications of pathogenicity. Review status: criteria provided, conflicting classifications (1 of 4 stars). 3 submissions from 3 submitters: Uncertain significance (2); Likely benign (1). Last evaluated 2025-05-15.

Conditions:
Hereditary cancer-predisposing syndrome. Also called: Neoplastic Syndromes, Hereditary; Hereditary Cancer Syndrome; Tumor predisposition; Hereditary neoplastic syndrome. Identifiers: Orphanet 140162, MedGen C0027672, MeSH D009386, MONDO:0015356.
Gorlin syndrome. Also called: Basal cell nevus syndrome; Nevoid Basal Cell Carcinoma Syndrome. Identifiers: Orphanet 377, MedGen C0004779, MONDO:0007187.

Allele frequency attached by ClinVar (database versions not stated): gnomAD exomes below 0.00001; TOPMed below 0.00001; gnomAD 0.00001.
gnomAD v4.1: 2 of 1,610,962 alleles (0.00012%); no homozygotes.

Submissions (3):

Labcorp Genetics (formerly Invitae), Labcorp
Classification: Likely benign for Gorlin syndrome. Last evaluated: 2025-05-15. Review status: criteria provided, single submitter. Criteria: Invitae Variant Classification Sherloc (09022015). Collection method: clinical testing. Allele origin: germline.

Ambry Genetics
Classification: Uncertain significance for Hereditary cancer-predisposing syndrome. Last evaluated: 2025-04-14. Review status: criteria provided, single submitter. Criteria: Ambry Variant Classification Scheme 2023. Collection method: clinical testing. Allele origin: germline.
Comment: The p.T307I variant (also known as c.920C>T), located in coding exon 6 of the PTCH1 gene, results from a C to T substitution at nucleotide position 920. The threonine at codon 307 is replaced by isoleucine, an amino acid with similar properties. This amino acid position is conserved. In addition, the in silico prediction for this alteration is inconclusive. Since supporting evidence is limited at this time, the clinical significance of this alteration remains unclear.

GeneDx
Classification: Uncertain significance. Last evaluated: 2024-01-23. Review status: criteria provided, single submitter. Criteria: GeneDx Variant Classification Process June 2021. Collection method: clinical testing. Allele origin: germline. Affected: yes.
Comment: Not observed at significant frequency in large population cohorts (gnomAD); In silico analysis supports that this missense variant has a deleterious effect on protein structure/function; Has not been previously published as pathogenic or benign to our knowledge; This variant is associated with the following publications: (PMID: 8906794)